The following is an entry in ClinVar:

ClinVar aggregate classification (germline): Uncertain significance (1 of 4 stars; one submission).

Submission:

Labcorp Genetics (formerly Invitae), Labcorp
Classification: Uncertain significance. Last evaluated: 2024-03-06. Review status: criteria provided, single submitter. Criteria: Invitae Variant Classification Sherloc (09022015). Collection method: clinical testing. Allele origin: germline.
Comment: This sequence change replaces cysteine, which is neutral and slightly polar, with arginine, which is basic and polar, at codon 543 of the PACS2 protein (p.Cys543Arg). This variant is not present in population databases (gnomAD no frequency). This variant has not been reported in the literature in individuals affected with PACS2-related conditions. An algorithm developed to predict the effect of missense changes on protein structure and function (PolyPhen-2) suggests that this variant is likely to be disruptive. In summary, the available evidence is currently insufficient to determine the role of this variant in disease. Therefore, it has been classified as a Variant of Uncertain Significance.

NM_001100913.3(PACS2):c.1627T>C (p.Cys543Arg)

Gene: PACS2 (phosphofurin acidic cluster sorting protein 2; plus strand). Cytogenetic location: 14q32.33.
Variant type: single nucleotide variant.
Coding change: c.1627T>C on transcript NM_001100913.3 (MANE Select); coding-DNA position 1627, T replaced by C.
Protein change: p.Cys543Arg; replaces cysteine 543 with arginine.
Molecular consequence: missense variant.
Genome position (GRCh38, 1-based): chr14:105,383,360, T>C. VCF-style: chr14-105383360-T-C. GRCh37 (hg19) VCF-style: chr14-105849697-T-C.
Other names: c.1390T>C, p.Cys464Arg (NM_001243127.3); c.1615T>C, p.Cys539Arg (NM_015197.4); short protein forms C464R, C539R, C543R.
Identifiers: ClinVar variation 3644790 (VCV003644790.2).